The following is an entry in ClinVar:

ClinVar aggregate classification (germline): Likely benign. Review status: criteria provided, multiple submitters, no conflicts (2 of 4 stars). 3 submissions from 3 submitters: Likely benign (2). 1 of the submissions does not count toward it. Last evaluated 2025-04-11.

Conditions:
GRM6-related disorder. Also called: GRM6-related condition.

Allele frequency attached by ClinVar (database versions not stated): gnomAD exomes 0.00001 and 0.00004; gnomAD 0.00002 and 0.00003; ExAC 0.00005; TOPMed 0.00006; ESP Exome Variant Server 0.00008; 1000 Genomes Project 0.00020.
gnomAD v4.1: 35 of 1,604,812 alleles (0.0022%); highest among the groups gnomAD compares: East Asian, 0.025%; no homozygotes.

Submissions (3):

Labcorp Genetics (formerly Invitae), Labcorp
Classification: Likely benign. Last evaluated: 2025-04-11. Review status: criteria provided, single submitter. Criteria: Invitae Variant Classification Sherloc (09022015). Collection method: clinical testing. Allele origin: germline.

Blueprint Genetics
Classification: Likely benign. Last evaluated: 2023-12-15. Review status: criteria provided, single submitter. Criteria: ACMG Guidelines, 2015. Collection method: clinical testing. Allele origin: germline.

PreventionGenetics, part of Exact Sciences
Classification: Likely benign for GRM6-related condition. Last evaluated: 2019-08-29. Review status: no assertion criteria provided. Collection method: clinical testing. Allele origin: germline. Not counted in ClinVar's aggregate classification.
Comment: This variant is classified as likely benign based on ACMG/AMP sequence variant interpretation guidelines (Richards et al. 2015 PMID: 25741868, with internal and published modifications).

NM_000843.4(GRM6):c.1545G>A (p.Ser515=)

Genes: GRM6 (glutamate metabotropic receptor 6; minus strand), ZNF454 (zinc finger protein 454; plus strand). Cytogenetic location: 5q35.3.
Variant type: single nucleotide variant.
Coding change: c.1545G>A on transcript NM_000843.4 (MANE Select); coding-DNA position 1545, G replaced by A.
Protein change: p.Ser515=; no amino-acid change (serine 515 retained).
Molecular consequence: synonymous variant.
Genome position (GRCh38, 1-based): chr5:178,986,709, C>T on the plus strand (G>A on the coding strand, the complement: GRM6 is on the minus strand). VCF-style: chr5-178986709-C-T. GRCh37 (hg19) VCF-style: chr5-178413710-C-T.
Other names: c.1545G>A (NM_000843.3).
Identifiers: ClinVar variation 1583156 (VCV001583156.11), dbSNP rs375659197, ClinGen allele CA3594000.
Genomic context (GRCh38, chr5:178,986,709, plus strand): 5'-GGGGACGCCCTTCACCATCTTCTTCCGCTCCCCCGGCCCGCAGGGCAGGCTGCACAGAGA[C>T]GAGGGCACCTCGTGGGGGTCGCCAGACCACTGCAGGGCCTCCACCTGGGACGCACAAAAC-3'
Protein context (NP_000834.2, residues 505-525): QWSGDPHEVP[Ser515=]SLCSLPCGPG